The following is an entry in ClinVar:

NM_001394998.1(TANC2):c.3354G>A (p.Arg1118=)

Genes: TANC2 (tetratricopeptide repeat, ankyrin repeat and coiled-coil containing 2; plus strand), LOC105371856 (uncharacterized LOC105371856; minus strand). Cytogenetic location: 17q23.3.
Variant type: single nucleotide variant.
Coding change: c.3354G>A on transcript NM_001394998.1 (MANE Select); coding-DNA position 3354, G replaced by A.
Protein change: p.Arg1118=; no amino-acid change (arginine 1118 retained).
Molecular consequence: synonymous variant.
Genome position (GRCh38, 1-based): chr17:63,405,144, G>A. VCF-style: chr17-63405144-G-A. GRCh37 (hg19) VCF-style: chr17-61482505-G-A.
Other names: c.3132G>A, p.Arg1044= (NM_001411076.1, NM_025185.4).
Identifiers: ClinVar variation 3051448 (VCV003051448.12), dbSNP rs771557573, ClinGen allele CA292866513.
Genomic context (GRCh38, chr17:63,405,144, plus strand): 5'-AGAACCACCTATCCTCAATCTTTGTTCTCTGCCCTTAGCCCTAACAGCTGCAGCCGGAAG[G>A]GGCAAACTGGAGGTGTGCCGTTTGCTCTTGGAACAAGGGGCGGCAGTGGCCCAGCCAAAC-3'
Protein context (NP_001381927.1, residues 1108-1128): GETALTAAAG[Arg1118=]GKLEVCRLLL

ClinVar aggregate classification (germline): Likely benign. Review status: criteria provided, single submitter (1 of 4 stars). 2 submissions from 2 submitters: Likely benign (1). 1 of the submissions does not count toward it. Last evaluated 2025-05-01.

Conditions:
TANC2-related disorder. Also called: TANC2-related condition.

Allele frequency attached by ClinVar (database versions not stated): TOPMed 0.00003; gnomAD 0.00004; gnomAD exomes 0.00007.
gnomAD v4.1: 112 of 1,612,998 alleles (0.0069%); highest among the groups gnomAD compares: Non-Finnish European, 0.0087%; no homozygotes.

Submissions (2):

CeGaT Center for Human Genetics Tuebingen
Classification: Likely benign. Last evaluated: 2025-05-01. Review status: criteria provided, single submitter. Criteria: CeGaT Center For Human Genetics Tuebingen Variant Classification Criteria Version 2. Collection method: clinical testing. Allele origin: germline. Affected: yes. Observed: 1 variant allele.
Comment: TANC2: BP4, BP7

PreventionGenetics, part of Exact Sciences
Classification: Likely benign for TANC2-related condition. Last evaluated: 2020-01-17. Review status: no assertion criteria provided. Collection method: clinical testing. Allele origin: germline. Not counted in ClinVar's aggregate classification.
Comment: This variant is classified as likely benign based on ACMG/AMP sequence variant interpretation guidelines (Richards et al. 2015 PMID: 25741868, with internal and published modifications).